The following is an entry in ClinVar:

NM_001374353.1(GLI2):c.3489T>C (p.Phe1163=)

Gene: GLI2 (GLI family zinc finger 2; plus strand). Cytogenetic location: 2q14.2.
Variant type: single nucleotide variant.
Coding change: c.3489T>C on transcript NM_001374353.1 (MANE Select); coding-DNA position 3489, T replaced by C.
Protein change: p.Phe1163=; no amino-acid change (phenylalanine 1163 retained).
Molecular consequence: synonymous variant.
Genome position (GRCh38, 1-based): chr2:120,989,454, T>C. VCF-style: chr2-120989454-T-C. GRCh37 (hg19) VCF-style: chr2-121747030-T-C.
Other names: c.3540T>C, p.Phe1180= (NM_001371271.1, NM_005270.5); c.3114T>C, p.Phe1038= (NM_001374354.1).
Identifiers: ClinVar variation 1151395 (VCV001151395.11), dbSNP rs766031476, ClinGen allele CA1852413.
Genomic context (GRCh38, chr2:120,989,454, plus strand): 5'-GGTGAAGCCTCCACCCTTTCCTCAGGGCAACCTGGCGGTGGTGCAGCAGAAGCCTGCCTT[T>C]GGCCAGTACCCGGGCTACAGTCCGCAAGGCCTACAGGCTAGCCCTGGGGGCCTGGACAGC-3'
Protein context (NP_001361282.1, residues 1153-1173): NLAVVQQKPA[Phe1163=]GQYPGYSPQG

ClinVar aggregate classification (germline): Likely benign. Review status: criteria provided, multiple submitters, no conflicts (2 of 4 stars). 2 submissions from 2 submitters: Likely benign (2). Last evaluated 2024-05-06.

Conditions:
Holoprosencephaly 9 (HPE9). Also called: PITUITARY ANOMALIES WITH HOLOPROSENCEPHALY-LIKE FEATURES; HOLOPROSENCEPHALY WITH MICROPHTHALMIA AND FIRST BRANCHIAL ARCH ANOMALIES. Identifiers: Orphanet 2162, MedGen C1835819, MONDO:0012563, OMIM 610829.
Postaxial polydactyly-anterior pituitary anomalies-facial dysmorphism syndrome. Also called: Culler-Jones syndrome. Identifiers: Orphanet 420584, MedGen C4014479, MONDO:0014369, OMIM 615849.

Allele frequency attached by ClinVar (database versions not stated): TOPMed 0.00001; gnomAD exomes 0.00002 and 0.00004; ExAC 0.00003.
gnomAD v4.1: 13 of 1,613,096 alleles (0.00081%); highest among the groups gnomAD compares: Admixed American, 0.02%; no homozygotes.

Submissions (2):

Labcorp Genetics (formerly Invitae), Labcorp
Classification: Likely benign for Postaxial polydactyly-anterior pituitary anomalies-facial dysmorphism syndrome; Holoprosencephaly 9. Last evaluated: 2024-05-06. Review status: criteria provided, single submitter. Criteria: Invitae Variant Classification Sherloc (09022015). Collection method: clinical testing. Allele origin: germline.

Women's Health and Genetics/Laboratory Corporation of America, LabCorp
Classification: Likely benign. Last evaluated: 2024-03-19. Review status: criteria provided, single submitter. Criteria: LabCorp Variant Classification Summary - May 2015. Collection method: clinical testing. Allele origin: germline.
Comment: Variant summary: GLI2 c.3540T>C alters a non-conserved nucleotide resulting in a synonymous change. Consensus agreement among computation tools predict no significant impact on normal splicing. However, these predictions have yet to be confirmed by functional studies. The variant allele was found at a frequency of 4.1e-05 in 246562 control chromosomes. This frequency does not allow conclusions about variant significance. To our knowledge, no occurrence of c.3540T>C in individuals affected with GLI2-Related Disorders and no experimental evidence demonstrating its impact on protein function have been reported. ClinVar contains an entry for this variant (Variation ID: 1151395). Based on the evidence outlined above, the variant was classified as likely benign.